The following is an entry in ClinVar:

NM_000834.5(GRIN2B):c.2291T>C (p.Ile764Thr)

Gene: GRIN2B (glutamate ionotropic receptor NMDA type subunit 2B; minus strand). Cytogenetic location: 12p13.1.
Variant type: single nucleotide variant.
Coding change: c.2291T>C on transcript NM_000834.5 (MANE Select); coding-DNA position 2291, T replaced by C.
Protein change: p.Ile764Thr; replaces isoleucine 764 with threonine.
Molecular consequence: missense variant.
Genome position (GRCh38, 1-based): chr12:13,569,898, A>G on the plus strand (T>C on the coding strand, the complement: GRIN2B is on the minus strand). VCF-style: chr12-13569898-A-G. GRCh37 (hg19) VCF-style: chr12-13722832-A-G.
Other names: c.2291T>C, p.Ile764Thr (NM_001413992.1); short protein forms I764T.
Identifiers: ClinVar variation 4796522 (VCV004796522.1).

ClinVar aggregate classification (germline): Uncertain significance (1 of 4 stars; one submission).

Conditions:
Developmental and epileptic encephalopathy, 27 (DEE27). Also called: Epileptic encephalopathy, early infantile, 27; GRIN2B-Related Neurodevelopmental Disorder. Identifiers: Orphanet 3451, MedGen C4015316, MONDO:0014505, OMIM 616139.
Intellectual developmental disorder, autosomal dominant 6, with or without seizures. Also called: Intellectual disability, autosomal dominant 6; GRIN2B-related developmental delay, intellectual disability and autism spectrum disorder. Identifiers: Orphanet 589547, MedGen C3151411, MONDO:0013509, OMIM 613970.

Submission:

Juno Genomics, Hangzhou Juno Genomics, Inc
Classification: Uncertain significance for Developmental and epileptic encephalopathy, 27; Intellectual developmental disorder, autosomal dominant 6, with or without seizures. Review status: criteria provided, single submitter. Criteria: ACMG Guidelines, 2015. Collection method: clinical testing. Allele origin: germline. Affected: yes.
Comment: Absent from controls (or at extremely low frequency if recessive) in Genome Aggregation Database, Exome Sequencing Project, 1000 Genomes Project, or Exome Aggregation Consortium.;Multiple lines of computational evidence support a deleterious effect on the gene or gene product (conservation, evolutionary, splicing impact, etc).;Missense variant in a gene that has a low rate of benign missense variation and where missense variants are a common mechanism of disease.;Assumed de novo, but without confirmation of paternity and maternity.;Patient's phenotype or family history is highly specific for a disease with a single genetic etiology.